The following is an entry in ClinVar:

NM_000093.5(COL5A1):c.4176+3A>T

Gene: COL5A1 (collagen type V alpha 1 chain; plus strand). Cytogenetic location: 9q34.3.
Variant type: single nucleotide variant.
Coding change: c.4176+3A>T on transcript NM_000093.5 (MANE Select); 3 bases into the intron after coding-DNA position 4176, A replaced by T.
Molecular consequence: intron variant.
Genome position (GRCh38, 1-based): chr9:134,817,082, A>T. VCF-style: chr9-134817082-A-T. GRCh37 (hg19) VCF-style: chr9-137708928-A-T.
Other names: c.4176+3A>T (NM_001278074.1).
Identifiers: ClinVar variation 452624 (VCV000452624.4), dbSNP rs1554806134, ClinGen allele CA658657940.

ClinVar aggregate classification (germline): Uncertain significance. Review status: criteria provided, multiple submitters, no conflicts (2 of 4 stars). 2 submissions from 2 submitters: Uncertain significance (2). Last evaluated 2024-09-25.

Conditions:
Familial thoracic aortic aneurysm and aortic dissection (TAAD). Also called: Thoracic aortic aneurysms and dissections. Identifiers: Orphanet 91387, MedGen C4707243, MONDO:0019625.

Submissions (2):

Ambry Genetics
Classification: Uncertain significance for Familial thoracic aortic aneurysm and aortic dissection. Last evaluated: 2024-09-25. Review status: criteria provided, single submitter. Criteria: Ambry Variant Classification Scheme 2023. Collection method: clinical testing. Allele origin: germline.
Comment: The c.4176+3A>T intronic alteration results from an A to T substitution 3 nucleotides after coding exon 53 of the COL5A1 gene. This variant was not reported in population-based cohorts in the Genome Aggregation Database (gnomAD). This nucleotide position is well conserved in available vertebrate species. In silico splice site analysis predicts that this alteration will weaken the native splice donor site. Based on insufficient or conflicting evidence, the clinical significance of this alteration remains unclear.

GeneDx
Classification: Uncertain significance. Last evaluated: 2019-10-24. Review status: criteria provided, single submitter. Criteria: GeneDx Variant Classification Process June 2021. Collection method: clinical testing. Allele origin: germline. Affected: yes.
Comment: Not observed in large population cohorts (Lek et al., 2016); In silico analyses, including splice predictors and evolutionary conservation, support a deleterious effect; Has not been previously published as pathogenic or benign to our knowledge